The following is an entry in ClinVar:

NM_194449.4(PHLPP1):c.1702T>C (p.Cys568Arg)

Gene: PHLPP1 (PH domain and leucine rich repeat protein phosphatase 1; plus strand). Cytogenetic location: 18q21.33.
Variant type: single nucleotide variant.
Coding change: c.1702T>C on transcript NM_194449.4 (MANE Select); coding-DNA position 1702, T replaced by C.
Protein change: p.Cys568Arg; replaces cysteine 568 with arginine.
Molecular consequence: missense variant.
Genome position (GRCh38, 1-based): chr18:62,830,160, T>C. VCF-style: chr18-62830160-T-C. GRCh37 (hg19) VCF-style: chr18-60497393-T-C.
Other names: short protein forms C568R.
Identifiers: ClinVar variation 3777789 (VCV003777789.7).

ClinVar aggregate classification (germline): Likely benign (1 of 4 stars; one submission).

Submission:

CeGaT Center for Human Genetics Tuebingen
Classification: Likely benign. Last evaluated: 2025-03-01. Review status: criteria provided, single submitter. Criteria: CeGaT Center For Human Genetics Tuebingen Variant Classification Criteria Version 2. Collection method: clinical testing. Allele origin: germline. Affected: yes. Observed: 1 variant allele.
Comment: PHLPP1: BS2